The following is an entry in ClinVar:

ClinVar aggregate classification (germline): Conflicting classifications of pathogenicity. Review status: criteria provided, conflicting classifications (1 of 4 stars). 4 submissions from 4 submitters: Uncertain significance (2); Benign (1); Likely benign (1). Last evaluated 2026-01-14.

Conditions:
IFT80-related disorder. Also called: IFT80-related condition.
Connective tissue disorder. Also called: Connective tissue disease. Identifiers: MedGen C0009782, MONDO:0003900.
Jeune thoracic dystrophy. Also called: Jeune syndrome; Short-rib thoracic dysplasia; Infantile thoracic dystrophy; Thoracic pelvic phalangeal dystrophy; Jeune's syndrome; Chondroectodermal dysplasia-like syndrome. Identifiers: Orphanet 474, MedGen C0265275, MONDO:0018770.
Inborn genetic diseases. Identifiers: MedGen C0950123, MeSH D030342.

Allele frequency attached by ClinVar (database versions not stated): gnomAD 0.00001 and 0.00011; TOPMed 0.00005; 1000 Genomes Project 30x 0.00031; 1000 Genomes Project 0.00040.
gnomAD v4.1: 254 of 1,535,424 alleles (0.017%); highest among the groups gnomAD compares: South Asian, 0.24%; 2 homozygotes.

Submissions (4):

Labcorp Genetics (formerly Invitae), Labcorp
Classification: Benign for Jeune thoracic dystrophy. Last evaluated: 2026-01-14. Review status: criteria provided, single submitter. Criteria: Invitae Variant Classification Sherloc (09022015). Collection method: clinical testing. Allele origin: germline.

Ambry Genetics
Classification: Uncertain significance for Inborn genetic diseases. Last evaluated: 2025-07-15. Review status: criteria provided, single submitter. Criteria: Ambry Variant Classification Scheme 2023. Collection method: clinical testing. Allele origin: germline.

PreventionGenetics, part of Exact Sciences
Classification: Likely benign for IFT80-related condition. Last evaluated: 2025-01-06. Review status: criteria provided, single submitter. Criteria: ACMG Guidelines, 2015. Collection method: clinical testing. Allele origin: germline.
Comment: This variant is classified as likely benign based on ACMG/AMP sequence variant interpretation guidelines (Richards et al. 2015 PMID: 25741868, with internal and published modifications).

Genome Diagnostics Laboratory, The Hospital for Sick Children
Classification: Uncertain significance for Connective tissue disorder. Last evaluated: 2020-05-01. Review status: criteria provided, single submitter. Criteria: ACMG Guidelines, 2015. Collection method: clinical testing. Allele origin: germline.

NM_020800.3(IFT80):c.13A>C (p.Ile5Leu)

Genes: IFT80 (intraflagellar transport 80; minus strand), TRIM59-IFT80 (TRIM59-IFT80 readthrough (NMD candidate); minus strand). Cytogenetic location: 3q25.33.
Variant type: single nucleotide variant.
Coding change: c.13A>C on transcript NM_020800.3 (MANE Select); coding-DNA position 13, A replaced by C.
Protein change: p.Ile5Leu; replaces isoleucine 5 with leucine.
Molecular consequence: missense variant. On other transcripts: non-coding transcript variant (2), 5 prime UTR variant (1).
Genome position (GRCh38, 1-based): chr3:160,384,588, T>G on the plus strand (A>C on the coding strand, the complement: IFT80 is on the minus strand). VCF-style: chr3-160384588-T-G. GRCh37 (hg19) VCF-style: chr3-160102376-T-G.
Other names: c.-619A>C (NM_001190241.2); short protein forms I5L.
Identifiers: ClinVar variation 1165511 (VCV001165511.14), dbSNP rs184680258, ClinGen allele CA2685602.